The following is an entry in ClinVar:

ClinVar aggregate classification (germline): Uncertain significance (1 of 4 stars; one submission).

Conditions:
Emery-Dreifuss muscular dystrophy 4, autosomal dominant (EDMD4). Also called: EMERY-DREIFUSS MUSCULAR DYSTROPHY 4 WITH VARIABLE FEATURES. Identifiers: Orphanet 261, MedGen C2751807, MONDO:0013071, OMIM 612998.
Autosomal recessive ataxia, Beauce type. Also called: Spinocerebellar ataxia, autosomal recessive 8; ATAXIA, RECESSIVE, OF BEAUCE; SYNE1-Related Autosomal Recessive Cerebellar Ataxia; SYNE1 Deficiency. Identifiers: Orphanet 88644, MedGen C1853116, MONDO:0012549, OMIM 610743.

gnomAD v4.1: 3 of 1,614,170 alleles (0.00019%); highest among the groups gnomAD compares: South Asian, 0.0033%; no homozygotes.

Submission:

Labcorp Genetics (formerly Invitae), Labcorp
Classification: Uncertain significance for Emery-Dreifuss muscular dystrophy 4, autosomal dominant; Autosomal recessive ataxia, Beauce type. Last evaluated: 2024-06-01. Review status: criteria provided, single submitter. Criteria: Invitae Variant Classification Sherloc (09022015). Collection method: clinical testing. Allele origin: germline.
Comment: This sequence change replaces aspartic acid, which is acidic and polar, with asparagine, which is neutral and polar, at codon 2170 of the SYNE1 protein (p.Asp2170Asn). This variant is not present in population databases (gnomAD no frequency). This variant has not been reported in the literature in individuals affected with SYNE1-related conditions. An algorithm developed to predict the effect of missense changes on protein structure and function (PolyPhen-2) suggests that this variant is likely to be tolerated. In summary, the available evidence is currently insufficient to determine the role of this variant in disease. Therefore, it has been classified as a Variant of Uncertain Significance.

NM_182961.4(SYNE1):c.6487G>A (p.Asp2163Asn)

Gene: SYNE1 (spectrin repeat containing nuclear envelope protein 1; minus strand). Cytogenetic location: 6q25.2.
Variant type: single nucleotide variant.
Coding change: c.6487G>A on transcript NM_182961.4 (MANE Select); coding-DNA position 6487, G replaced by A.
Protein change: p.Asp2163Asn; replaces aspartic acid 2163 with asparagine.
Molecular consequence: missense variant.
Genome position (GRCh38, 1-based): chr6:152,409,121, C>T on the plus strand (G>A on the coding strand, the complement: SYNE1 is on the minus strand). VCF-style: chr6-152409121-C-T. GRCh37 (hg19) VCF-style: chr6-152730256-C-T.
Other names: c.6508G>A, p.Asp2170Asn (NM_033071.5); short protein forms D2163N, D2170N.
Identifiers: ClinVar variation 3761003 (VCV003761003.2).